The following is an entry in ClinVar:

ClinVar aggregate classification (germline): Uncertain significance (1 of 4 stars; one submission).

Conditions:
Emery-Dreifuss muscular dystrophy 4, autosomal dominant (EDMD4). Also called: EMERY-DREIFUSS MUSCULAR DYSTROPHY 4 WITH VARIABLE FEATURES. Identifiers: Orphanet 261, MedGen C2751807, MONDO:0013071, OMIM 612998.
Autosomal recessive ataxia, Beauce type. Also called: Spinocerebellar ataxia, autosomal recessive 8; ATAXIA, RECESSIVE, OF BEAUCE; SYNE1-Related Autosomal Recessive Cerebellar Ataxia; SYNE1 Deficiency. Identifiers: Orphanet 88644, MedGen C1853116, MONDO:0012549, OMIM 610743.

Allele frequency attached by ClinVar (database versions not stated): gnomAD exomes 0.00001; TOPMed below 0.00001; gnomAD 0.00001.
gnomAD v4.1: 16 of 1,614,046 alleles (0.00099%); highest among the groups gnomAD compares: South Asian, 0.0011%; no homozygotes.

Submission:

Labcorp Genetics (formerly Invitae), Labcorp
Classification: Uncertain significance for Emery-Dreifuss muscular dystrophy 4, autosomal dominant; Autosomal recessive ataxia, Beauce type. Last evaluated: 2022-05-19. Review status: criteria provided, single submitter. Criteria: Invitae Variant Classification Sherloc (09022015). Collection method: clinical testing. Allele origin: germline.
Comment: ClinVar contains an entry for this variant (Variation ID: 662572). Algorithms developed to predict the effect of missense changes on protein structure and function are either unavailable or do not agree on the potential impact of this missense change (SIFT: "Deleterious"; PolyPhen-2: "Benign"; Align-GVGD: "Class C0"). In summary, the available evidence is currently insufficient to determine the role of this variant in disease. Therefore, it has been classified as a Variant of Uncertain Significance. This variant has not been reported in the literature in individuals affected with SYNE1-related conditions. This variant is present in population databases (no rsID available, gnomAD 0.01%). This sequence change replaces serine, which is neutral and polar, with proline, which is neutral and non-polar, at codon 1693 of the SYNE1 protein (p.Ser1693Pro).

NM_182961.4(SYNE1):c.5056T>C (p.Ser1686Pro)

Gene: SYNE1 (spectrin repeat containing nuclear envelope protein 1; minus strand). Cytogenetic location: 6q25.2.
Variant type: single nucleotide variant.
Coding change: c.5056T>C on transcript NM_182961.4 (MANE Select); coding-DNA position 5056, T replaced by C.
Protein change: p.Ser1686Pro; replaces serine 1686 with proline.
Molecular consequence: missense variant.
Genome position (GRCh38, 1-based): chr6:152,427,737, A>G on the plus strand (T>C on the coding strand, the complement: SYNE1 is on the minus strand). VCF-style: chr6-152427737-A-G. GRCh37 (hg19) VCF-style: chr6-152748872-A-G.
Other names: c.5077T>C, p.Ser1693Pro (NM_033071.5); short protein forms S1693P, S1686P.
Identifiers: ClinVar variation 662572 (VCV000662572.8), dbSNP rs1364310674, ClinGen allele CA366139456.